The following is an entry in ClinVar:

ClinVar aggregate classification (germline): Uncertain significance. Review status: criteria provided, single submitter (1 of 4 stars). 2 submissions from 2 submitters: Uncertain significance (1). 1 of the submissions does not count toward it. Last evaluated 2022-08-16.

Conditions:
Cohen syndrome (COH1). Also called: PEPPER SYNDROME; Cutis verticis gyrata, retinitis pigmentosa, and sensorineural deafness. Identifiers: Orphanet 193, MedGen C0265223, MONDO:0008999, OMIM 216550.
VPS13B-related disorder. Also called: VPS13B-related condition.

Allele frequency attached by ClinVar (database versions not stated): gnomAD exomes below 0.00001; gnomAD 0.00001; TOPMed 0.00001.
gnomAD v4.1: 2 of 1,613,834 alleles (0.00012%); highest among the groups gnomAD compares: African/African-American, 0.0013%; no homozygotes.

Submissions (2):

Labcorp Genetics (formerly Invitae), Labcorp
Classification: Uncertain significance for Cohen syndrome. Last evaluated: 2022-08-16. Review status: criteria provided, single submitter. Criteria: Invitae Variant Classification Sherloc (09022015). Collection method: clinical testing. Allele origin: germline.
Comment: This sequence change replaces valine, which is neutral and non-polar, with isoleucine, which is neutral and non-polar, at codon 3206 of the VPS13B protein (p.Val3206Ile). This variant is present in population databases (no rsID available, gnomAD 0.007%). This variant has not been reported in the literature in individuals affected with VPS13B-related conditions. ClinVar contains an entry for this variant (Variation ID: 1062335). Algorithms developed to predict the effect of missense changes on protein structure and function output the following: SIFT: "Not Available"; PolyPhen-2: "Benign"; Align-GVGD: "Not Available". The isoleucine amino acid residue is found in multiple mammalian species, which suggests that this missense change does not adversely affect protein function. In summary, the available evidence is currently insufficient to determine the role of this variant in disease. Therefore, it has been classified as a Variant of Uncertain Significance.

PreventionGenetics, part of Exact Sciences
Classification: Uncertain significance for VPS13B-related condition. Last evaluated: 2024-05-16. Review status: no assertion criteria provided. Collection method: clinical testing. Allele origin: germline. Not counted in ClinVar's aggregate classification.
Comment: The VPS13B c.9541G>A variant is predicted to result in the amino acid substitution p.Val3181Ile. To our knowledge, this variant has not been reported in the literature. This variant is reported in 0.0062% of alleles in individuals of African descent in gnomAD. At this time, the clinical significance of this variant is uncertain due to the absence of conclusive functional and genetic evidence.

NM_152564.5(VPS13B):c.9541G>A (p.Val3181Ile)

Gene: VPS13B (vacuolar protein sorting 13 homolog B; plus strand). Cytogenetic location: 8q22.2.
Variant type: single nucleotide variant.
Coding change: c.9541G>A on transcript NM_152564.5 (MANE Select); coding-DNA position 9541, G replaced by A.
Protein change: p.Val3181Ile; replaces valine 3181 with isoleucine.
Molecular consequence: missense variant.
Genome position (GRCh38, 1-based): chr8:99,832,579, G>A. VCF-style: chr8-99832579-G-A. GRCh37 (hg19) VCF-style: chr8-100844807-G-A.
Other names: c.9616G>A, p.Val3206Ile (NM_017890.5); c.9541G>A (NM_152564.4); short protein forms V3181I, V3206I.
Identifiers: ClinVar variation 1062335 (VCV001062335.7), dbSNP rs904676214, ClinGen allele CA182337300.
Genomic context (GRCh38, chr8:99,832,579, plus strand): 5'-CTGGGCTTTTCTCCTGCCCCAGGTGCTGACAGCTCACAGTGCTGGAGCCTGCCAGCTATA[G>A]TTAGACCAGAGTTTCCCAGACAGAGTGTGGCAGTACCCCTCGGGAATTTCCGGGAAAATG-3'
Protein context (NP_689777.3, residues 3171-3191): SSQCWSLPAI[Val3181Ile]RPEFPRQSVA